The following is an entry in ClinVar:

ClinVar aggregate classification (germline): Uncertain significance. Review status: criteria provided, multiple submitters, no conflicts (2 of 4 stars). 2 submissions from 2 submitters: Uncertain significance (2). Last evaluated 2026-05-28.

Conditions:
MAPKBP1-related disorder. Also called: MAPKBP1-related condition.
Inborn genetic diseases. Identifiers: MedGen C0950123, MeSH D030342.

Allele frequency attached by ClinVar (database versions not stated): ExAC 0.00002; TOPMed 0.00002; gnomAD 0.00003; gnomAD exomes 0.00004.
gnomAD v4.1: 59 of 1,613,916 alleles (0.0037%); highest among the groups gnomAD compares: Non-Finnish European, 0.0042%; no homozygotes.

Submissions (2):

PreventionGenetics, part of Exact Sciences
Classification: Uncertain significance for MAPKBP1-related condition. Last evaluated: 2026-05-28. Review status: criteria provided, single submitter. Criteria: ACMG Guidelines, 2015. Collection method: clinical testing. Allele origin: germline.
Comment: The MAPKBP1 c.908G>A variant is predicted to result in the amino acid substitution p.Arg303His. To our knowledge, this variant has not been reported in the literature. This variant is reported in 0.0054% of alleles in individuals of East Asian descent in gnomAD. At this time, the clinical significance of this variant is uncertain due to the absence of conclusive functional and genetic evidence.

Ambry Genetics
Classification: Uncertain significance for Inborn genetic diseases. Last evaluated: 2024-03-08. Review status: criteria provided, single submitter. Criteria: Ambry Variant Classification Scheme 2023. Collection method: clinical testing. Allele origin: germline.

NM_014994.3(MAPKBP1):c.890G>A (p.Arg297His)

Gene: MAPKBP1 (mitogen-activated protein kinase binding protein 1; plus strand). Cytogenetic location: 15q15.1.
Variant type: single nucleotide variant.
Coding change: c.890G>A on transcript NM_014994.3 (MANE Select); coding-DNA position 890, G replaced by A.
Protein change: p.Arg297His; replaces arginine 297 with histidine.
Molecular consequence: missense variant. On other transcripts: non-coding transcript variant (2).
Genome position (GRCh38, 1-based): chr15:41,813,691, G>A. VCF-style: chr15-41813691-G-A. GRCh37 (hg19) VCF-style: chr15-42105889-G-A.
Other names: c.908G>A, p.Arg303His (NM_001128608.2); c.890G>A, p.Arg297His (NM_001265611.2); short protein forms R297H, R303H.
Identifiers: ClinVar variation 3123386 (VCV003123386.2), dbSNP rs765090984, ClinGen allele CA7497697.
Genomic context (GRCh38, chr15:41,813,691, plus strand): 5'-CCCACTGCATCTCTGTGAGCCAAGACTACATCTTCTGTGGCTGTGCTGATGGCACCGTGC[G>A]CCTTTTCAACCCCTCTAACCTGCACTTCCTTAGCACCTTGCCCCGACCCCATGCTCTGGG-3'
Protein context (NP_055809.2, residues 287-307): IFCGCADGTV[Arg297His]LFNPSNLHFL